The following is an entry in ClinVar:

ClinVar aggregate classification (germline): Uncertain significance. Review status: criteria provided, multiple submitters, no conflicts (2 of 4 stars). 5 submissions from 5 submitters: Uncertain significance (5). Last evaluated 2025-12-19.

Conditions:
Colorectal cancer. Also called: Malignant Colorectal Neoplasm; Colorectal cancer, somatic. Identifiers: MedGen C0346629, MONDO:0005575, OMIM 114500.
Hereditary cancer-predisposing syndrome. Also called: Hereditary Cancer Syndrome; Tumor predisposition; Hereditary neoplastic syndrome; Neoplastic Syndromes, Hereditary. Identifiers: Orphanet 140162, MedGen C0027672, MeSH D009386, MONDO:0015356.
Oligodontia-cancer predisposition syndrome. Also called: TOOTH AGENESIS-COLORECTAL CANCER SYNDROME. Identifiers: Orphanet 300576, MedGen C1837750, MONDO:0012075, OMIM 608615. Disease mechanism: loss of function.

Allele frequency attached by ClinVar (database versions not stated): TOPMed 0.00002.
gnomAD v4.1: 13 of 1,614,058 alleles (0.00081%); highest among the groups gnomAD compares: African/African-American, 0.0053%; no homozygotes.

Submissions (5):

Labcorp Genetics (formerly Invitae), Labcorp
Classification: Uncertain significance for Oligodontia-cancer predisposition syndrome. Last evaluated: 2025-12-19. Review status: criteria provided, single submitter. Criteria: Invitae Variant Classification Sherloc (09022015). Collection method: clinical testing. Allele origin: germline.
Comment: This sequence change replaces valine, which is neutral and non-polar, with methionine, which is neutral and non-polar, at codon 247 of the AXIN2 protein (p.Val247Met). This variant is present in population databases (rs755206242, gnomAD 0.003%). This variant has not been reported in the literature in individuals affected with AXIN2-related conditions. ClinVar contains an entry for this variant (Variation ID: 645469). Invitae Evidence Modeling of protein sequence and biophysical properties (such as structural, functional, and spatial information, amino acid conservation, physicochemical variation, residue mobility, and thermodynamic stability) indicates that this missense variant is not expected to disrupt AXIN2 protein function with a negative predictive value of 80%. In summary, the available evidence is currently insufficient to determine the role of this variant in disease. Therefore, it has been classified as a Variant of Uncertain Significance.

Quest Diagnostics Nichols Institute San Juan Capistrano
Classification: Uncertain significance. Last evaluated: 2025-10-16. Review status: criteria provided, single submitter. Criteria: Quest Diagnostics criteria. Collection method: clinical testing. Allele origin: unknown.
Comment: The AXIN2 c.739G>A (p.Val247Met) variant has not been reported in individuals with AXIN2-related conditions in the published literature. The frequency of this variant in the general population (Genome Aggregation Database) is uninformative in the assessment of its pathogenicity. Analysis of this variant using bioinformatics tools for the prediction of the effect of amino acid changes on protein structure and function yielded conflicting predictions that this variant is benign or damaging. Based on the available information, we are unable to determine the clinical significance of this variant.

Ambry Genetics
Classification: Uncertain significance for Hereditary cancer-predisposing syndrome. Last evaluated: 2024-10-02. Review status: criteria provided, single submitter. Criteria: Ambry Variant Classification Scheme 2023. Collection method: clinical testing. Allele origin: germline.
Comment: The p.V247M variant (also known as c.739G>A), located in coding exon 1 of the AXIN2 gene, results from a G to A substitution at nucleotide position 739. The valine at codon 247 is replaced by methionine, an amino acid with highly similar properties. This amino acid position is highly conserved in available vertebrate species. In addition, this alteration is predicted to be tolerated by in silico analysis. Since supporting evidence is limited at this time, the clinical significance of this alteration remains unclear.

Baylor Genetics
Classification: Uncertain significance for Colorectal cancer. Last evaluated: 2023-10-04. Review status: criteria provided, single submitter. Criteria: ACMG Guidelines, 2015. Collection method: clinical testing. Allele origin: unknown.

GeneDx
Classification: Uncertain significance. Last evaluated: 2023-07-03. Review status: criteria provided, single submitter. Criteria: GeneDx Variant Classification Process June 2021. Collection method: clinical testing. Allele origin: germline. Affected: yes.
Comment: Not observed at significant frequency in large population cohorts (gnomAD); In silico analysis, which includes protein predictors and evolutionary conservation, supports that this variant does not alter protein structure/function; Has not been previously published as pathogenic or benign to our knowledge

NM_004655.4(AXIN2):c.739G>A (p.Val247Met)

Gene: AXIN2 (axin 2; minus strand). Cytogenetic location: 17q24.1.
Variant type: single nucleotide variant.
Coding change: c.739G>A on transcript NM_004655.4 (MANE Select); coding-DNA position 739, G replaced by A.
Protein change: p.Val247Met; replaces valine 247 with methionine.
Molecular consequence: missense variant.
Genome position (GRCh38, 1-based): chr17:65,557,882, C>T on the plus strand (G>A on the coding strand, the complement: AXIN2 is on the minus strand). VCF-style: chr17-65557882-C-T. GRCh37 (hg19) VCF-style: chr17-63554000-C-T.
Other names: c.739G>A (LRG_296t1); c.739G>A, p.Val247Met (NM_001363813.1); short protein forms V247M.
Identifiers: ClinVar variation 645469 (VCV000645469.16), dbSNP rs755206242, ClinGen allele CA8718999.
Genomic context (GRCh38, chr17:65,557,882, plus strand): 5'-CAGTTTCCGTGGACCTCACACTCGCCGTGGCCCTCAGAGTTTTGCTGGACAAGCCAACCA[C>T]GGTTGGCGAAAGTTTGCACTTGAAGTCGGCACAAGTCCACTCCTCTTCTTCATTCAAGGT-3'
Protein context (NP_004646.3, residues 237-257): ADFKCKLSPT[Val247Met]VGLSSKTLRA